The following is an entry in ClinVar:

NM_004119.3(FLT3):c.2050T>C (p.Ser684Pro)

Gene: FLT3 (fms related receptor tyrosine kinase 3; minus strand). Cytogenetic location: 13q12.2.
Variant type: single nucleotide variant.
Coding change: c.2050T>C on transcript NM_004119.3 (MANE Select); coding-DNA position 2050, T replaced by C.
Protein change: p.Ser684Pro; replaces serine 684 with proline.
Molecular consequence: missense variant. On other transcripts: non-coding transcript variant (1).
Genome position (GRCh38, 1-based): chr13:28,028,181, A>G on the plus strand (T>C on the coding strand, the complement: FLT3 is on the minus strand). VCF-style: chr13-28028181-A-G. GRCh37 (hg19) VCF-style: chr13-28602318-A-G.
Other names: short protein forms S684P.
Identifiers: ClinVar variation 134435 (VCV000134435.1), dbSNP rs199906407, ClinGen allele CA159810.
Genomic context (GRCh38, chr13:28,028,181, plus strand): 5'-TCTTTGTCATCAAGCTACAGTCTTTTTGATGAGGTGATTTTCGTGGAAGTGGGTTACCTG[A>G]CAGTGTGCACGCCCCCAGCAGGTTCACAATATTCTCGTGGCTTCCCAGCTGGGTCATCAT-3'
Protein context (NP_004110.2, residues 674-694): IVNLLGACTL[Ser684Pro]GPIYLIFEYC

ClinVar aggregate classification (germline): not provided (0 of 4 stars; one submission).

Allele frequency attached by ClinVar (database versions not stated): ExAC 0.00006; gnomAD 0.00006 and 0.00007; gnomAD exomes 0.00008 and 0.00016; TOPMed 0.00010; ESP Exome Variant Server 0.00015.
gnomAD v4.1: 230 of 1,556,266 alleles (0.015%); highest among the groups gnomAD compares: Non-Finnish European, 0.02%; no homozygotes.

Submission:

ITMI
No classification provided. Condition: AllHighlyPenetrant. Last evaluated: 2013-09-19. Review status: no classification provided. Collection method: reference population. Allele origin: germline.
Comment: Please see associated publication for description of ethnicities

Literature cited by the submitters: PubMed 24728327.